The following is an entry in ClinVar:

ClinVar aggregate classification (germline): Pathogenic (1 of 4 stars; one submission).

Conditions:
Neurofibromatosis, type 1 (NF1). Also called: VON RECKLINGHAUSEN DISEASE; Peripheral type neurofibromatosis; NEUROFIBROMATOSIS, TYPE I, SOMATIC; Neurofibromatosis, type I. Identifiers: Orphanet 636, MedGen C0027831, MONDO:0018975, OMIM 162200. Disease mechanism: loss of function.

Submission:

Kasturba Medical College, Manipal, Kasturba Medical College, Manipal, Manipal Academy of Higher Education, Manipal, India
Classification: Pathogenic for Neurofibromatosis, type 1. Last evaluated: 2026-08-31. Review status: criteria provided, single submitter. Criteria: ACMG Guidelines, 2015. Collection method: research. Allele origin: de novo. Inheritance: Autosomal dominant inheritance. Affected: yes. Observed: 1 variant allele, 1 heterozygote.
Comment: This variant is not observed in gnomAD (V4.1.0) population database and in our in-house data of 4415 exomes.

NM_001042492.3(NF1):c.996_1001delinsA (p.Tyr333fs)

Gene: NF1 (neurofibromin 1; plus strand). Cytogenetic location: 17q11.2.
Variant type: Indel.
Coding change: c.996_1001delinsA on transcript NM_001042492.3 (MANE Select); coding-DNA positions 996 to 1001, TTACAT replaced by A.
Protein change: p.Tyr333fs; shifts the reading frame from tyrosine 333.
Molecular consequence: frameshift variant.
Genome position (GRCh38, 1-based): chr17:31,200,529-31,200,534, TTACAT replaced by A. VCF-style: chr17-31200529-TTACAT-A. GRCh37 (hg19) VCF-style: chr17-29527547-TTACAT-A.
Other names: c.996_1001delinsA, p.Tyr333fs (NM_000267.4, NM_001128147.3); short protein forms Y333fs.
Identifiers: ClinVar variation 4974773 (VCV004974773.1).